The following is an entry in ClinVar:

NM_172250.3(MMAA):c.397C>T (p.Gln133Ter)

Gene: MMAA (metabolism of cobalamin associated A; plus strand). Cytogenetic location: 4q31.21.
Variant type: single nucleotide variant.
Coding change: c.397C>T on transcript NM_172250.3 (MANE Select); coding-DNA position 397, C replaced by T.
Protein change: p.Gln133Ter; replaces glutamine 133 with a stop codon.
Molecular consequence: nonsense.
Genome position (GRCh38, 1-based): chr4:145,639,536, C>T. VCF-style: chr4-145639536-C-T. GRCh37 (hg19) VCF-style: chr4-146560688-C-T.
Other names: short protein forms Q133*.
Identifiers: ClinVar variation 218973 (VCV000218973.7), dbSNP rs754545360, ClinGen allele CA347908.
Genomic context (GRCh38, chr4:145,639,536, plus strand): 5'-AGCAGGAAAAAGGAGTTAGCCCAGGTGCTTCTTCAGAAAGTATTACTTTACCACAGAGAA[C>T]AAGAACAATCAAATAAAGGAAAACCACTAGCATTTCGAGTAGGTCAGTCTTTTTTGTGTG-3'

ClinVar aggregate classification (germline): Pathogenic. Review status: criteria provided, multiple submitters, no conflicts (2 of 4 stars). 5 submissions from 5 submitters: Pathogenic (4). 1 of the submissions does not count toward it. Last evaluated 2026-08-06.

Conditions:
Methylmalonic aciduria, cblA type (MACA). Also called: Vitamin B12-responsive methylmalonic acidemia type cblA; Methylmalonic aciduria, vitamin b12-responsive, due to defect in synthesis of adenosylcobalamin, cbla complementation type; MMA cbl A type; Methylmalonic acidemia cblA type; Methylmalonic aciduria, vitamin B12-responsive. Identifiers: Orphanet 28, Orphanet 79310, MedGen C1855109, MONDO:0009613, OMIM 251100.

Allele frequency attached by ClinVar (database versions not stated): ExAC 0.00001; gnomAD exomes below 0.00001.
gnomAD v4.1: 1 of 1,611,180 alleles (0.000062%); highest among the groups gnomAD compares: Non-Finnish European, 0.000085%; no homozygotes.

Submissions (5):

OLLIN Analises Genomicas, OLLIN
Classification: Pathogenic for Methylmalonic aciduria, cblA type. Last evaluated: 2026-08-06. Review status: criteria provided, single submitter. Criteria: ACMG Guidelines 2015 PMID 25741868. Collection method: clinical testing. Allele origin: germline. Inheritance: Autosomal recessive inheritance.
Comment: This nonsense variant, located in exon 2 (of 7), has been reported in ClinVar (accession VCV000218973.6) and in gnomAD with an allele frequency of 0.000062%. However, to our knowledge, it has not been reported in the scientific literature. This variant introduces a premature stop codon, which is predicted to result in either a truncated protein or degradation of the mRNA via nonsense-mediated decay (NMD). According to the currently available evidence, this variant has been classified as pathogenic (PVS1, PM2_P, PM3_P).

Dasa
Classification: Pathogenic. Last evaluated: 2026-02-03. Review status: criteria provided, single submitter. Criteria: DASA Assertion Criteria. Collection method: clinical testing. Allele origin: germline.
Comment: NM_172250.3(MMAA):c.397C>T (p.Gln133*) introduces a premature termination codon predicted to result in loss of normal protein function. Loss-of-function is an established mechanism of disease for this gene. This variant has been observed in affected individuals with related phenotype in a genotype context consistent with recessive disease (PMID: 40762225). This variant has been reported in individuals with related phenotype (PMID: 40762225). The variant is present at low frequency in population datasets. Based on the available data, this variant is classified as pathogenic.

Mendelics
Classification: Pathogenic for Methylmalonic aciduria, cblA type. Last evaluated: 2022-05-04. Review status: criteria provided, single submitter. Criteria: Mendelics Assertion Criteria 2019. Collection method: clinical testing. Allele origin: germline.

Laboratorio de Genetica e Diagnostico Molecular, Hospital Israelita Albert Einstein
Classification: Pathogenic for Methylmalonic aciduria, cblA type. Last evaluated: 2021-08-20. Review status: criteria provided, single submitter. Criteria: ACMG Guidelines, 2015. Collection method: clinical testing. Allele origin: germline. Affected: yes.
Comment: ACMG classification criteria: PVS1 very strong, PM2 moderate, PM3 supporting

GeneReviews
No classification provided. Condition: Methylmalonic aciduria, cblA type. Review status: no classification provided. Collection method: literature only. Allele origin: germline. Affected: yes. Not counted in ClinVar's aggregate classification.

Literature cited by the submitters: PubMed 40762225 (cited by Dasa); NCBI Bookshelf NBK1231 (cited by GeneReviews).